The following is an entry in ClinVar:

ClinVar aggregate classification (germline): Uncertain significance (1 of 4 stars; one submission).

Submission:

ISCA site 15
Classification: Uncertain significance. Last evaluated: 2011-08-12. Review status: criteria provided, single submitter. Criteria: Kaminsky et al. (Genet Med. 2011). Collection method: clinical testing. Allele origin: maternal. Affected: yes. Observed: 1 variant allele.
Comment: Copy number variation identified through the course of routine clinical cytogenomic testing in postnatal populations. Clinical assertions have been curated as described in Kaminsky et al. 2011.

GRCh38/hg38 3q22.3-23(chr3:138296035-139015548)x3

Genes: ARMC8 (armadillo repeat containing 8; plus strand), CEP70 (centrosomal protein 70; minus strand), ESYT3 (extended synaptotagmin 3; plus strand), FAIM (Fas apoptotic inhibitory molecule; plus strand), FOXL2 (forkhead box L2; minus strand) and 21 more. Cytogenetic location: 3q22.3-23.
Variant type: copy number gain.
Change: copy number 3 (three copies instead of two) of chr3:138,296,035-139,015,548 (719.5 kb, GRCh38 coordinates, 1-based), cytogenetic band 3q22.3-23.
Identifiers: ClinVar variation 57795 (VCV000057795.1).